The following is an entry in ClinVar:

NM_001036.6(RYR3):c.1904T>A (p.Leu635Gln)

Gene: RYR3 (ryanodine receptor 3; plus strand). Cytogenetic location: 15q14.
Variant type: single nucleotide variant.
Coding change: c.1904T>A on transcript NM_001036.6 (MANE Select); coding-DNA position 1904, T replaced by A.
Protein change: p.Leu635Gln; replaces leucine 635 with glutamine.
Molecular consequence: missense variant.
Genome position (GRCh38, 1-based): chr15:33,601,534, T>A. VCF-style: chr15-33601534-T-A. GRCh37 (hg19) VCF-style: chr15-33893735-T-A.
Other names: c.1904T>A, p.Leu635Gln (NM_001243996.4); short protein forms L635Q.
Identifiers: ClinVar variation 570085 (VCV000570085.11), dbSNP rs370984175, ClinGen allele CA7458273.

ClinVar aggregate classification (germline): Uncertain significance (1 of 4 stars; one submission).

Conditions:
Epileptic encephalopathy. Identifiers: MedGen C0543888, HP:0200134.

Allele frequency attached by ClinVar (database versions not stated): gnomAD exomes 0.00006 and 0.00004; ESP Exome Variant Server 0.00016; ExAC 0.00002; gnomAD 0.00009; TOPMed 0.00006.
gnomAD v4.1: 95 of 1,613,682 alleles (0.0059%); highest among the groups gnomAD compares: Non-Finnish European, 0.0077%; no homozygotes.

Submission:

Labcorp Genetics (formerly Invitae), Labcorp
Classification: Uncertain significance for Epileptic encephalopathy. Last evaluated: 2022-06-27. Review status: criteria provided, single submitter. Criteria: Invitae Variant Classification Sherloc (09022015). Collection method: clinical testing. Allele origin: germline.
Comment: Algorithms developed to predict the effect of missense changes on protein structure and function (SIFT, PolyPhen-2, Align-GVGD) all suggest that this variant is likely to be disruptive. ClinVar contains an entry for this variant (Variation ID: 570085). This variant has not been reported in the literature in individuals affected with RYR3-related conditions. This variant is present in population databases (rs370984175, gnomAD 0.007%). This sequence change replaces leucine, which is neutral and non-polar, with glutamine, which is neutral and polar, at codon 635 of the RYR3 protein (p.Leu635Gln). In summary, the available evidence is currently insufficient to determine the role of this variant in disease. Therefore, it has been classified as a Variant of Uncertain Significance.